The following continues an entry in ClinVar:

NM_004168.4(SDHA):c.133G>A (p.Ala45Thr)

Gene: SDHA. ClinVar aggregate classification (germline): Conflicting classifications of pathogenicity. Uncertain significance (5); Benign (2); Likely benign (8).

Submissions 16 to 19 of 19:

PreventionGenetics, part of Exact Sciences
Classification: Uncertain significance for SDHA-related condition. Last evaluated: 2023-12-20. Review status: no assertion criteria provided. Collection method: clinical testing. Allele origin: germline. Not counted in ClinVar's aggregate classification.
Comment: The SDHA c.133G>A variant is predicted to result in the amino acid substitution p.Ala45Thr. This variant was reported in an individual with thoracic paraganglioma, although no evidence was provided to determine its pathogenicity (Casey et al. 2017. PubMed ID: 28546994). This variant was also reported in a family with a history of early-onset clear cell renal cell carcinoma; however, expression of SDHA was unaffected in tissue from the proband (Nicolas et al. 2019. PubMed ID: 30680959). This variant was also documented in an individual with persistent polyclonal B cell lymphocytosis and functional studies showed that this variant leads to enhanced succinate dehydrogenase activity and accumulation of fumarate, suggesting a gain-of-function mechanism (Burgener et al. 2019. PubMed ID: 31527833). This variant is reported in 0.076% of alleles in individuals of European (Non-Finnish) descent in gnomAD and has conflicting interpretations of benign, likely benign, and uncertain in ClinVar. At this time, the clinical significance of this variant is uncertain due to the absence of conclusive functional and genetic evidence.

Arora Lab, Fox Chase Cancer Center
Classification: Uncertain significance for Hereditary renal cell carcinoma. Last evaluated: 2018-02-26. Review status: no assertion criteria provided. Collection method: research. Allele origin: germline. Inheritance: Autosomal recessive inheritance. Affected: yes. Clinical features observed: Clear cell carcinoma of kidney, Thyroid gland carcinoma. Not counted in ClinVar's aggregate classification.
Comment: The p.Ala45Thr variant (rs140736646) was found by exome sequencing in two siblings affected by renal cancer. The SDHA protein is a nuclear encoded mitochondrial protein, synthesized with a cleavage pre-sequence (residues 1 to 42) and imported to the matrix through the presequence cleavage pathway. The residue 45 in the preprotein becomes residue 3 in the mature protein, which assembles into the SDH complex. Scores of pathogenicity are low but may not take into account possible effects of the substitution on the different steps of the presequence processing. Immunostaining of the renal tumor of one of the siblings showed reduction in SDHA and loss of SDHB. This is expected from SDHA deficient tumors but could result from other events. As this single case study is insufficient to conclude for pathogenicity, this variant is classified as VUS.

Counsyl
Classification: Uncertain significance for Pheochromocytoma/paraganglioma syndrome 5. Last evaluated: 2016-03-14. Review status: no assertion criteria provided. Collection method: clinical testing. Allele origin: unknown. Not counted in ClinVar's aggregate classification.

Department of Pathology and Laboratory Medicine, Sinai Health System
Classification: Uncertain significance. Review status: no assertion criteria provided. Collection method: clinical testing. Allele origin: unknown. Affected: yes. Study: The Canadian Open Genetics Repository (COGR). Not counted in ClinVar's aggregate classification.
Comment: The SDHA p.Ala45Thr variant was identified in the literature in patients with thoracic paraganglioma, kidney and thyroid cancer, and polyclonal B cell lymphocytosis (Casey_2017_PMID:28546994; Nicolas_2019_PMID:30680959; Burgener_2019_PMID:31527833). The variant was identified in dbSNP (ID: rs140736646) and ClinVar (classified as uncertain significance by Invitae, Illumina, Counsyl and Arora Lab, Fox Chase Cancer Center, and as likely benign by Ambry Genetics). The variant was identified in control databases in 108 of 268048 chromosomes at a frequency of 0.0004029 increasing the likelihood this could be a low frequency benign variant (Genome Aggregation Database March 6, 2019, v2.1.1). The variant was observed in the following populations: European (non-Finnish) in 95 of 117876 chromosomes (freq: 0.000806), Other in 4 of 6700 chromosomes (freq: 0.000597), Latino in 6 of 35108 chromosomes (freq: 0.000171), European (Finnish) in 2 of 25106 chromosomes (freq: 0.00008) and African in 1 of 23618 chromosomes (freq: 0.000042), but was not observed in the Ashkenazi Jewish, East Asian, or South Asian populations. The p.Ala45 residue is conserved in mammals but not in more distantly related organisms however four out of five computational analyses (PolyPhen-2, SIFT, AlignGVGD, BLOSUM, MutationTaster) do not suggest a high likelihood of impact to the protein; this information is not predictive enough to rule out pathogenicity. The variant occurs outside of the splicing consensus sequence and in silico or computational prediction software programs (SpliceSiteFinder, MaxEntScan, NNSPLICE, GeneSplicer) do not predict a difference in splicing. Functional studies in patient cells expressing the p.A45T variant showed gain of function and caused excess production of IL-6 and a stronger hydrogen bond interaction between SDHA and SDHB compared to wildtype (Burgener_2019_PMID:31527833). In summary, based on the above information the clinical significance of this variant cannot be determined with certainty at this time. This variant is classified as a variant of uncertain significance.

Literature cited by the submitters: PubMed 31527833 (cited by Women's Health and Genetics/Laboratory Corporation of America, LabCorp and Quest Diagnostics Nichols Institute San Juan Capistrano); PubMed 28546994 (cited by 3 submitters); PubMed 30680959 (cited by Women's Health and Genetics/Laboratory Corporation of America, LabCorp and Quest Diagnostics Nichols Institute San Juan Capistrano).